The following is an entry in ClinVar:

ClinVar aggregate classification (germline): Benign. Review status: criteria provided, multiple submitters, no conflicts (2 of 4 stars). 3 submissions from 3 submitters: Benign (2). 1 of the submissions does not count toward it. Last evaluated 2018-07-09.

Conditions:
CAPN12-related disorder. Also called: CAPN12-related condition.

Allele frequency attached by ClinVar (database versions not stated): ESP Exome Variant Server 0.05828; gnomAD exomes 0.06387; ExAC 0.06593; 1000 Genomes Project 0.06949; 1000 Genomes Project 30x 0.06980.
gnomAD v4.1: 105,240 of 1,613,460 alleles (6.5%); highest among the groups gnomAD compares: South Asian, 10%; 3,776 homozygotes.

Submissions (3):

GeneDx
Classification: Benign. Last evaluated: 2018-07-09. Review status: criteria provided, single submitter. Criteria: GeneDx Variant Classification Process June 2021. Collection method: clinical testing. Allele origin: germline. Affected: yes.

Breakthrough Genomics
Classification: Benign. Review status: criteria provided, single submitter. Criteria: ACMG Guidelines, 2015. Collection method: not provided. Allele origin: germline. Inheritance: Unknown mechanism. Affected: yes.

PreventionGenetics, part of Exact Sciences
Classification: Benign for CAPN12-related condition. Last evaluated: 2019-12-18. Review status: no assertion criteria provided. Collection method: clinical testing. Allele origin: germline. Not counted in ClinVar's aggregate classification.
Comment: This variant is classified as benign based on ACMG/AMP sequence variant interpretation guidelines (Richards et al. 2015 PMID: 25741868, with internal and published modifications).

NM_144691.4(CAPN12):c.672G>C (p.Leu224=)

Gene: CAPN12 (calpain 12; minus strand). Cytogenetic location: 19q13.2.
Variant type: single nucleotide variant.
Coding change: c.672G>C on transcript NM_144691.4 (MANE Select); coding-DNA position 672, G replaced by C.
Protein change: p.Leu224=; no amino-acid change (leucine 224 retained).
Molecular consequence: synonymous variant.
Genome position (GRCh38, 1-based): chr19:38,740,108, C>G on the plus strand (G>C on the coding strand, the complement: CAPN12 is on the minus strand). VCF-style: chr19-38740108-C-G. GRCh37 (hg19) VCF-style: chr19-39230748-C-G.
Identifiers: ClinVar variation 1268458 (VCV001268458.4), dbSNP rs34911882, ClinGen allele CA9419116.